The following is an entry in ClinVar:

NM_020693.4(DSCAML1):c.5735G>A (p.Arg1912Gln)

Gene: DSCAML1 (DS cell adhesion molecule like 1; minus strand). Cytogenetic location: 11q23.3.
Variant type: single nucleotide variant.
Coding change: c.5735G>A on transcript NM_020693.4 (MANE Select); coding-DNA position 5735, G replaced by A.
Protein change: p.Arg1912Gln; replaces arginine 1912 with glutamine.
Molecular consequence: missense variant.
Genome position (GRCh38, 1-based): chr11:117,428,755, C>T on the plus strand (G>A on the coding strand, the complement: DSCAML1 is on the minus strand). VCF-style: chr11-117428755-C-T. GRCh37 (hg19) VCF-style: chr11-117299471-C-T.
Other names: short protein forms R1912Q.
Identifiers: ClinVar variation 2974358 (VCV002974358.3), dbSNP rs765741362, ClinGen allele CA382751501.

ClinVar aggregate classification (germline): Uncertain significance (1 of 4 stars; one submission).

Allele frequency attached by ClinVar (database versions not stated): TOPMed 0.00002; gnomAD exomes 0.00003.
gnomAD v4.1: 45 of 1,611,794 alleles (0.0028%); highest among the groups gnomAD compares: South Asian, 0.0033%; no homozygotes.

Submission:

Labcorp Genetics (formerly Invitae), Labcorp
Classification: Uncertain significance. Last evaluated: 2024-03-04. Review status: criteria provided, single submitter. Criteria: Invitae Variant Classification Sherloc (09022015). Collection method: clinical testing. Allele origin: germline.
Comment: This sequence change replaces arginine, which is basic and polar, with glutamine, which is neutral and polar, at codon 1972 of the DSCAML1 protein (p.Arg1972Gln). This variant is present in population databases (no rsID available, gnomAD 0.003%). This variant has not been reported in the literature in individuals affected with DSCAML1-related conditions. An algorithm developed to predict the effect of missense changes on protein structure and function (PolyPhen-2) suggests that this variant is likely to be disruptive. In summary, the available evidence is currently insufficient to determine the role of this variant in disease. Therefore, it has been classified as a Variant of Uncertain Significance.